The following is an entry in ClinVar:

NM_152564.5(VPS13B):c.4024C>A (p.Pro1342Thr)

Gene: VPS13B (vacuolar protein sorting 13 homolog B; plus strand). Cytogenetic location: 8q22.2.
Variant type: single nucleotide variant.
Coding change: c.4024C>A on transcript NM_152564.5 (MANE Select); coding-DNA position 4024, C replaced by A.
Protein change: p.Pro1342Thr; replaces proline 1342 with threonine.
Molecular consequence: missense variant.
Genome position (GRCh38, 1-based): chr8:99,501,840, C>A. VCF-style: chr8-99501840-C-A. GRCh37 (hg19) VCF-style: chr8-100514068-C-A.
Other names: c.4024C>A, p.Pro1342Thr (NM_017890.5); short protein forms P1342T.
Identifiers: ClinVar variation 3621842 (VCV003621842.2).

ClinVar aggregate classification (germline): Uncertain significance (1 of 4 stars; one submission).

Conditions:
Cohen syndrome (COH1). Also called: Cutis verticis gyrata, retinitis pigmentosa, and sensorineural deafness; PEPPER SYNDROME. Identifiers: Orphanet 193, MedGen C0265223, MONDO:0008999, OMIM 216550.

gnomAD v4.1: 1 of 1,613,892 alleles (0.000062%); highest among the groups gnomAD compares: Middle Eastern, 0.017%; no homozygotes.

Submission:

Labcorp Genetics (formerly Invitae), Labcorp
Classification: Uncertain significance for Cohen syndrome. Last evaluated: 2024-04-11. Review status: criteria provided, single submitter. Criteria: Invitae Variant Classification Sherloc (09022015). Collection method: clinical testing. Allele origin: germline.
Comment: This sequence change replaces proline, which is neutral and non-polar, with threonine, which is neutral and polar, at codon 1342 of the VPS13B protein (p.Pro1342Thr). This variant is not present in population databases (gnomAD no frequency). This variant has not been reported in the literature in individuals affected with VPS13B-related conditions. Advanced modeling of protein sequence and biophysical properties (such as structural, functional, and spatial information, amino acid conservation, physicochemical variation, residue mobility, and thermodynamic stability) performed at Invitae indicates that this missense variant is not expected to disrupt VPS13B protein function with a negative predictive value of 80%. In summary, the available evidence is currently insufficient to determine the role of this variant in disease. Therefore, it has been classified as a Variant of Uncertain Significance.